The following is an entry in ClinVar:

NM_213599.3(ANO5):c.898dup (p.Ile300fs)

Gene: ANO5 (anoctamin 5; plus strand). Cytogenetic location: 11p14.3.
Variant type: Duplication.
Coding change: c.898dup on transcript NM_213599.3 (MANE Select); coding-DNA position 898, one base duplicated (A; older notation c.898dupA).
Protein change: p.Ile300fs; shifts the reading frame from isoleucine 300.
Molecular consequence: frameshift variant.
Genome position (GRCh38, 1-based): chr11:22,250,256, A duplicated; the last of 6 consecutive A bases (chr11:22,250,251-22,250,256); duplicating any one gives the same sequence. VCF-style (leftmost placement, unchanged base first): chr11-22250250-G-GA. GRCh37 (hg19) VCF-style: chr11-22271796-G-GA.
Other names: c.895dup, p.Ile299fs (NM_001142649.2); c.898dup (NM_213599.2); short protein forms I299fs, I300fs.
Identifiers: ClinVar variation 976689 (VCV000976689.10), dbSNP rs1383346134, ClinGen allele CA473404022.
Genomic context (GRCh38, chr11:22,250,250, plus strand): 5'-TATAACATTCTTCCATATTCTGATTCTGTTTTTACTCTTTTTCACAGGAATTATTATGGA[G>GA]AAAAAATTGGTATCTATTTTGTCTTTCTTGGATTTTACACAGAAATGCTATTCTTTGCAG-3'

ClinVar aggregate classification (germline): Pathogenic. Review status: criteria provided, multiple submitters, no conflicts (2 of 4 stars). 6 submissions from 6 submitters: Pathogenic (6). Last evaluated 2026-02-03.

Conditions:
Miyoshi muscular dystrophy 3 (MMD3). Also called: Miyoshi myopathy 3; Miyoshi Muscular Dystrophy 3 (MMD3). Identifiers: Orphanet 399096, MedGen C2750076, MONDO:0013222, OMIM 613319.
Autosomal recessive ANO5-related disorders.
Autosomal recessive limb-girdle muscular dystrophy type 2L (LGMDR12). Also called: Limb-girdle muscular dystrophy, type 2L; Limb-Girdle Muscular Dystrophy R12 Anoctamin-5-Related (LGMD-R12); MUSCULAR DYSTROPHY, LIMB-GIRDLE, AUTOSOMAL RECESSIVE 12. Identifiers: Orphanet 206549, MedGen C1969785, MONDO:0012652, OMIM 611307.
Gnathodiaphyseal dysplasia (GDD). Also called: OSTEOGENESIS IMPERFECTA WITH UNUSUAL SKELETAL LESIONS; GNATHODIAPHYSEAL SCLEROSIS. Identifiers: Orphanet 53697, MedGen C1833736, MONDO:0008151, OMIM 166260.

Submissions (6):

GeneDx
Classification: Pathogenic. Last evaluated: 2026-02-03. Review status: criteria provided, single submitter. Criteria: GeneDx Variant Classification Process June 2021. Collection method: clinical testing. Allele origin: germline.
Comment: Reported with a pathogenic variant (phase unknown) in a patient with limb-girdle muscular weakness in published literature (PMID: 35239206); clinical information is limited; Not observed at significant frequency in large population cohorts (gnomAD); Frameshift variant predicted to result in protein truncation or nonsense mediated decay in a gene for which loss of function is a known mechanism of disease; This variant is associated with the following publications: (PMID: 32528171, 36913258, 35239206, 38127101)

Labcorp Genetics (formerly Invitae), Labcorp
Classification: Pathogenic for Autosomal recessive limb-girdle muscular dystrophy type 2L; Gnathodiaphyseal dysplasia. Last evaluated: 2025-12-03. Review status: criteria provided, single submitter. Criteria: Invitae Variant Classification Sherloc (09022015). Collection method: clinical testing. Allele origin: germline.
Comment: This sequence change creates a premature translational stop signal (p.Ile300Asnfs*36) in the ANO5 gene. It is expected to result in an absent or disrupted protein product. Loss-of-function variants in ANO5 are known to be pathogenic (PMID: 21186264, 23606453, 25891276, 30919934). This variant is present in population databases (no rsID available, gnomAD 0.009%). This premature translational stop signal has been observed in individual(s) with clinical features of limb-girdle weakness (PMID: 32528171). ClinVar contains an entry for this variant (Variation ID: 976689). For these reasons, this variant has been classified as Pathogenic.

Dasa
Classification: Pathogenic. Last evaluated: 2025-08-13. Review status: criteria provided, single submitter. Criteria: DASA Assertion Criteria. Collection method: clinical testing. Allele origin: germline.
Comment: NM_213599.3(ANO5):c.898dup (p.Ile300Asnfs*36) introduces a premature termination codon predicted to result in loss of normal protein function. Loss-of-function is an established mechanism of disease for this gene. This variant has been observed in affected individuals with related phenotype in a genotype context consistent with recessive disease. The variant is present at low frequency in population datasets. Based on the available data, this variant is classified as pathogenic.

Variantyx, Inc.
Classification: Pathogenic for Autosomal recessive ANO5-related disorders. Last evaluated: 2025-06-09. Review status: criteria provided, single submitter. Criteria: Variantyx Assertion Criteria 2022. Collection method: clinical testing. Allele origin: germline. Inheritance: Autosomal recessive inheritance. Affected: no.
Comment: This is a frameshift variant in the ANO5 gene (OMIM: 608662). Pathogenic variants in this gene have been associated with autosomal recessive ANO5-related disorders. This variant introduces a premature termination codon in exon 10 out of 22 and is expected to result in loss of function, which is a known disease mechanism for ANO5 in these disorders (PMID: 20096397;9673985) (PVS1). This variant has been identified in the homozygous or compound heterozygous state in at least 3 individuals reported in the published literature (PMID: 35239206, 36913258, 32528171, 38127101) (PM3_Strong). It has a 0.0090% maximum allele frequency in non-founder control populations (PM2). Based on the current evidence, this variant is classified as pathogenic for autosomal recessive ANO5-related disorders.No other variant of clinical significance was identified in the ANO5 gene.

3billion
Classification: Pathogenic for Miyoshi muscular dystrophy 3. Last evaluated: 2025-04-21. Review status: criteria provided, single submitter. Criteria: ACMG Guidelines, 2015. Collection method: clinical testing. Allele origin: germline. Affected: yes.
Comment: The variant is observed at an extremely low frequency in the gnomAD v4.1.0 dataset (total allele frequency: <0.001%). Predicted Consequence/Location: Frameshift: predicted to result in a loss or disruption of normal protein function through nonsense-mediated decay (NMD) or protein truncation. Multiple pathogenic variants are reported downstream of the variant. The variant has been reported at least twice as pathogenic without evidence for the classification (ClinVar ID: VCV000976689 / PMID: 32528171).Therefore, this variant is classified as Pathogenic according to the recommendation of ACMG/AMP guideline.

Institute of Human Genetics Munich, TUM University Hospital
Classification: Pathogenic for Miyoshi muscular dystrophy 3. Last evaluated: 2020-02-10. Review status: criteria provided, single submitter. Criteria: Classification criteria August 2017. Collection method: clinical testing. Allele origin: germline. Inheritance: Autosomal recessive inheritance. Affected: yes. Observed: 1 compound heterozygote.

Literature cited by the submitters: PubMed 21186264 (cited by Labcorp Genetics (formerly Invitae), Labcorp); PubMed 23606453 (cited by Labcorp Genetics (formerly Invitae), Labcorp); PubMed 25891276 (cited by Labcorp Genetics (formerly Invitae), Labcorp); PubMed 30919934 (cited by Labcorp Genetics (formerly Invitae), Labcorp); PubMed 32528171 (cited by 3 submitters); PubMed 35239206 (cited by Variantyx, Inc.); PubMed 36913258 (cited by Variantyx, Inc.); PubMed 38127101 (cited by Variantyx, Inc.); PubMed 20096397 (cited by Variantyx, Inc.).